The following is an entry in ClinVar:

NM_000545.8(HNF1A):c.1058C>T (p.Pro353Leu)

Gene: HNF1A (HNF1 homeobox A; plus strand). Cytogenetic location: 12q24.31.
Variant type: single nucleotide variant.
Coding change: c.1058C>T on transcript NM_000545.8 (MANE Select); coding-DNA position 1058, C replaced by T.
Protein change: p.Pro353Leu; replaces proline 353 with leucine.
Molecular consequence: missense variant.
Genome position (GRCh38, 1-based): chr12:120,996,364, C>T. VCF-style: chr12-120996364-C-T. GRCh37 (hg19) VCF-style: chr12-121434167-C-T.
Other names: c.1058C>T, p.Pro353Leu (NM_001306179.2, NM_001406915.1); short protein forms P353L.
Identifiers: ClinVar variation 4279815 (VCV004279815.1).

ClinVar aggregate classification (germline): Uncertain significance (1 of 4 stars; one submission).

Conditions:
Maturity-onset diabetes of the young type 3. Also called: MODY type 3; MODY, type III. Identifiers: Orphanet 552, MedGen C1838100, MeSH C563933, MONDO:0010894, OMIM 600496. Disease mechanism: loss of function.

Submission:

Clinical Genomics Laboratory, Washington University in St. Louis
Classification: Uncertain significance for Maturity-onset diabetes of the young type 3. Last evaluated: 2025-01-07. Review status: criteria provided, single submitter. Criteria: ACMG Guidelines, 2015. Collection method: clinical testing. Allele origin: germline.
Comment: An HNF1A c.1058C>T (p.Pro353Leu) variant was identified in a heterozygous state. This variant has been reported in one individual affected with maturity-onset diabetes of the young type 3 (Wang Y et al., PMID: 31485449). This variant is absent from the general population (gnomAD v.2.1.1), indicating it is not a common variant. Computational predictors indicate that the variant is damaging, evidence that correlates with impact on HNF1A function. Due to limited information, and based on the ACMG/AMP guidelines for variant interpretation (Richards S et al., PMID: 25741868), the clinical significance of the HNF1A c.1058C>T (p.Pro353Leu) variant is uncertain at this time.